The following is an entry in ClinVar:

NM_001022.4(RPS19):c.43G>A (p.Val15Ile)

Genes: RPS19 (ribosomal protein S19; plus strand), RPS19-CD79A (RPS19-CD79A readthrough; plus strand). Cytogenetic location: 19q13.2.
Variant type: single nucleotide variant.
Coding change: c.43G>A on transcript NM_001022.4 (MANE Select); coding-DNA position 43, G replaced by A.
Protein change: p.Val15Ile; replaces valine 15 with isoleucine.
Molecular consequence: missense variant.
Genome position (GRCh38, 1-based): chr19:41,860,817, G>A. VCF-style: chr19-41860817-G-A. GRCh37 (hg19) VCF-style: chr19-42364887-G-A.
Other names: c.43G>A, p.Val15Ile (NM_001321483.2, NM_001321484.2, NM_001321485.2); short protein forms V15I.
Identifiers: ClinVar variation 3583915 (VCV003583915.2).

ClinVar aggregate classification (germline): Uncertain significance. Review status: criteria provided, multiple submitters, no conflicts (2 of 4 stars). 2 submissions from 2 submitters: Uncertain significance (2). Last evaluated 2025-10-02.

Conditions:
Diamond-Blackfan anemia. Also called: Blackfan Diamond syndrome; Aregenerative anemia chronic congenital; Red cell aplasia, pure hereditary; Congenital hypoplastic anemia; Aase syndrome. Identifiers: Orphanet 124, MedGen C1260899, MeSH D029503, MONDO:0015253, HP:0004810.
Diamond-Blackfan anemia 1 (DBA1). Also called: BLACKFAN-DIAMOND SYNDROME; ANEMIA, CONGENITAL HYPOPLASTIC, OF BLACKFAN AND DIAMOND; ANEMIA, CONGENITAL ERYTHROID HYPOPLASTIC; RED CELL APLASIA, PURE, HEREDITARY; AREGENERATIVE ANEMIA, CHRONIC CONGENITAL; ERYTHROGENESIS IMPERFECTA. Identifiers: Orphanet 124, MedGen C2676137, MONDO:0007110, OMIM 105650.

Submissions (2):

Labcorp Genetics (formerly Invitae), Labcorp
Classification: Uncertain significance for Diamond-Blackfan anemia. Last evaluated: 2025-10-02. Review status: criteria provided, single submitter. Criteria: Invitae Variant Classification Sherloc (09022015). Collection method: clinical testing. Allele origin: germline.
Comment: This sequence change replaces valine, which is neutral and non-polar, with isoleucine, which is neutral and non-polar, at codon 15 of the RPS19 protein (p.Val15Ile). This variant is present in population databases (rs104894717, gnomAD 0.01%). This variant has not been reported in the literature in individuals affected with RPS19-related conditions. ClinVar contains an entry for this variant (Variation ID: 3583915). An algorithm developed to predict the effect of missense changes on protein structure and function (PolyPhen-2) suggests that this variant is likely to be tolerated. In summary, the available evidence is currently insufficient to determine the role of this variant in disease. Therefore, it has been classified as a Variant of Uncertain Significance.

Fulgent Genetics
Classification: Uncertain significance for Diamond-Blackfan anemia 1. Last evaluated: 2024-05-03. Review status: criteria provided, single submitter. Criteria: ACMG Guidelines, 2015. Collection method: clinical testing. Allele origin: germline.